The following is an entry in ClinVar:

ClinVar aggregate classification (germline): Uncertain significance (1 of 4 stars; one submission).

Conditions:
Emery-Dreifuss muscular dystrophy 4, autosomal dominant (EDMD4). Also called: EMERY-DREIFUSS MUSCULAR DYSTROPHY 4 WITH VARIABLE FEATURES. Identifiers: Orphanet 261, MedGen C2751807, MONDO:0013071, OMIM 612998.
Autosomal recessive ataxia, Beauce type. Also called: ATAXIA, RECESSIVE, OF BEAUCE; SYNE1 Deficiency; Spinocerebellar ataxia, autosomal recessive 8; SYNE1-Related Autosomal Recessive Cerebellar Ataxia. Identifiers: Orphanet 88644, MedGen C1853116, MONDO:0012549, OMIM 610743.

Submission:

Labcorp Genetics (formerly Invitae), Labcorp
Classification: Uncertain significance for Emery-Dreifuss muscular dystrophy 4, autosomal dominant; Autosomal recessive ataxia, Beauce type. Last evaluated: 2022-11-14. Review status: criteria provided, single submitter. Criteria: Invitae Variant Classification Sherloc (09022015). Collection method: clinical testing. Allele origin: germline.
Comment: Algorithms developed to predict the effect of missense changes on protein structure and function are either unavailable or do not agree on the potential impact of this missense change (SIFT: "Tolerated"; PolyPhen-2: "Possibly Damaging"; Align-GVGD: "Class C0"). ClinVar contains an entry for this variant (Variation ID: 860688). This variant has not been reported in the literature in individuals affected with SYNE1-related conditions. This variant is not present in population databases (gnomAD no frequency). This sequence change replaces alanine, which is neutral and non-polar, with threonine, which is neutral and polar, at codon 5705 of the SYNE1 protein (p.Ala5705Thr). In summary, the available evidence is currently insufficient to determine the role of this variant in disease. Therefore, it has been classified as a Variant of Uncertain Significance.

NM_182961.4(SYNE1):c.17326G>A (p.Ala5776Thr)

Gene: SYNE1 (spectrin repeat containing nuclear envelope protein 1; minus strand). Cytogenetic location: 6q25.2.
Variant type: single nucleotide variant.
Coding change: c.17326G>A on transcript NM_182961.4 (MANE Select); coding-DNA position 17326, G replaced by A.
Protein change: p.Ala5776Thr; replaces alanine 5776 with threonine.
Molecular consequence: missense variant.
Genome position (GRCh38, 1-based): chr6:152,308,509, C>T on the plus strand (G>A on the coding strand, the complement: SYNE1 is on the minus strand). VCF-style: chr6-152308509-C-T. GRCh37 (hg19) VCF-style: chr6-152629644-C-T.
Other names: c.17113G>A, p.Ala5705Thr (NM_033071.5); short protein forms A5705T, A5776T.
Identifiers: ClinVar variation 860688 (VCV000860688.9), dbSNP rs774018511, ClinGen allele CA366105182.